The following is an entry in ClinVar:

ClinVar aggregate classification (germline): Uncertain significance (1 of 4 stars; one submission).

Submission:

GeneDx
Classification: Uncertain significance. Last evaluated: 2021-01-02. Review status: criteria provided, single submitter. Criteria: GeneDx Variant Classification Process June 2021. Collection method: clinical testing. Allele origin: germline. Affected: yes.
Comment: Not observed in large population cohorts (Lek et al., 2016); Frameshift variant predicted to result in protein truncation in a gene for which loss-of-function is not a known mechanism of disease; Has not been previously published as pathogenic or benign to our knowledge

NM_000618.5(IGF1):c.322_325delinsAC (p.Tyr108fs)

Genes: IGF1 (insulin like growth factor 1; minus strand), LINC02456 (long intergenic non-protein coding RNA 2456; plus strand). Cytogenetic location: 12q23.2.
Variant type: Indel.
Coding change: c.322_325delinsAC on transcript NM_000618.5 (MANE Select); coding-DNA positions 322 to 325, TATT replaced by AC.
Protein change: p.Tyr108fs; shifts the reading frame from tyrosine 108.
Molecular consequence: frameshift variant.
Genome position (GRCh38, 1-based): chr12:102,419,586-102,419,589, AATA replaced by GT on the plus strand (TATT replaced by AC on the coding strand, the reverse complement: IGF1 is on the minus strand). VCF-style: chr12-102419586-AATA-GT. GRCh37 (hg19) VCF-style: chr12-102813364-AATA-GT.
Other names: c.322_325delinsAC, p.Tyr108fs (NM_001111283.3, NM_001111285.3); c.274_277delinsAC, p.Tyr92fs (NM_001111284.2); c.322_325delTATTinsAC (NM_000618.3); short protein forms Y92fs, Y108fs.
Identifiers: ClinVar variation 429680 (VCV000429680.4), dbSNP rs1131691527, ClinGen allele CA645369592.